The following is an entry in ClinVar:

ClinVar aggregate classification (germline): Uncertain significance. Review status: criteria provided, multiple submitters, no conflicts (2 of 4 stars). 3 submissions from 3 submitters: Uncertain significance (3). Last evaluated 2025-05-19.

Conditions:
Inborn genetic diseases. Identifiers: MedGen C0950123, MeSH D030342.

Allele frequency attached by ClinVar (database versions not stated): TOPMed below 0.00001; gnomAD 0.00001; gnomAD exomes 0.00003 and 0.00005; ExAC 0.00004.
gnomAD v4.1: 48 of 1,613,966 alleles (0.003%); highest among the groups gnomAD compares: South Asian, 0.031%; no homozygotes.

Submissions (3):

Ambry Genetics
Classification: Uncertain significance for Inborn genetic diseases. Last evaluated: 2025-05-19. Review status: criteria provided, single submitter. Criteria: Ambry Variant Classification Scheme 2023. Collection method: clinical testing. Allele origin: germline.

Blueprint Genetics
Classification: Uncertain significance. Last evaluated: 2024-11-26. Review status: criteria provided, single submitter. Criteria: ACMG Guidelines, 2015. Collection method: clinical testing. Allele origin: germline.

Labcorp Genetics (formerly Invitae), Labcorp
Classification: Uncertain significance. Last evaluated: 2024-11-11. Review status: criteria provided, single submitter. Criteria: Invitae Variant Classification Sherloc (09022015). Collection method: clinical testing. Allele origin: germline.
Comment: This sequence change replaces aspartic acid, which is acidic and polar, with histidine, which is basic and polar, at codon 282 of the CNGB1 protein (p.Asp282His). This variant is present in population databases (rs780015277, gnomAD 0.03%). This variant has not been reported in the literature in individuals affected with CNGB1-related conditions. ClinVar contains an entry for this variant (Variation ID: 1002119). Invitae Evidence Modeling of protein sequence and biophysical properties (such as structural, functional, and spatial information, amino acid conservation, physicochemical variation, residue mobility, and thermodynamic stability) indicates that this missense variant is not expected to disrupt CNGB1 protein function with a negative predictive value of 95%. In summary, the available evidence is currently insufficient to determine the role of this variant in disease. Therefore, it has been classified as a Variant of Uncertain Significance.

NM_001297.5(CNGB1):c.844G>C (p.Asp282His)

Gene: CNGB1 (cyclic nucleotide gated channel subunit beta 1; minus strand). Cytogenetic location: 16q21.
Variant type: single nucleotide variant.
Coding change: c.844G>C on transcript NM_001297.5 (MANE Select); coding-DNA position 844, G replaced by C.
Protein change: p.Asp282His; replaces aspartic acid 282 with histidine.
Molecular consequence: missense variant.
Genome position (GRCh38, 1-based): chr16:57,957,371, C>G on the plus strand (G>C on the coding strand, the complement: CNGB1 is on the minus strand). VCF-style: chr16-57957371-C-G. GRCh37 (hg19) VCF-style: chr16-57991275-C-G.
Other names: c.844G>C (NM_001297.4); c.844G>C, p.Asp282His (NM_001135639.2); c.826G>C, p.Asp276His (NM_001286130.2); short protein forms D276H, D282H.
Identifiers: ClinVar variation 1002119 (VCV001002119.9), dbSNP rs780015277, ClinGen allele CA8083659.